The following is an entry in ClinVar:

NM_001382391.1(CSPP1):c.697A>G (p.Lys233Glu)

Gene: CSPP1 (centrosome and spindle pole associated protein 1; plus strand). Cytogenetic location: 8q13.1.
Variant type: single nucleotide variant.
Coding change: c.697A>G on transcript NM_001382391.1 (MANE Select); coding-DNA position 697, A replaced by G.
Protein change: p.Lys233Glu; replaces lysine 233 with glutamic acid.
Molecular consequence: missense variant. On other transcripts: 5 prime UTR variant (1).
Genome position (GRCh38, 1-based): chr8:67,095,506, A>G. VCF-style: chr8-67095506-A-G. GRCh37 (hg19) VCF-style: chr8-68007741-A-G.
Other names: c.-159A>G (NM_001291339.2); c.616A>G, p.Lys206Glu (NM_001363131.2, NM_001363133.2); c.697A>G, p.Lys233Glu (NM_001363132.2); c.805A>G, p.Lys269Glu (NM_001364869.1); c.724A>G, p.Lys242Glu (NM_001364870.1, NM_024790.7); short protein forms K242E, K206E, K233E, K269E.
Identifiers: ClinVar variation 1449451 (VCV001449451.6), dbSNP rs752084244, ClinGen allele CA371190869.
Genomic context (GRCh38, chr8:67,095,506, plus strand): 5'-GAGGAGGACAGATACCGACAACTAGATGATGAAATCGAATTAAGGAATAGAAGAATTATT[A>G]AAAAAGCAAATGAAGAAGTGGGCATTTCCAACCTAAAACATCAAAGGTTTGCAAGCAAGG-3'
Protein context (NP_001369320.1, residues 223-243): EIELRNRRII[Lys233Glu]KANEEVGISN

ClinVar aggregate classification (germline): Uncertain significance (1 of 4 stars; one submission).

Conditions:
Joubert syndrome 21 (JBTS21). Identifiers: MedGen C3810212, MONDO:0014288, OMIM 615636.

Allele frequency attached by ClinVar (database versions not stated): gnomAD 0.00001.
gnomAD v4.1: 6 of 1,613,470 alleles (0.00037%); highest among the groups gnomAD compares: Non-Finnish European, 0.00051%; no homozygotes.

Submission:

Labcorp Genetics (formerly Invitae), Labcorp
Classification: Uncertain significance for Joubert syndrome 21. Last evaluated: 2022-02-24. Review status: criteria provided, single submitter. Criteria: Invitae Variant Classification Sherloc (09022015). Collection method: clinical testing. Allele origin: germline.
Comment: In summary, the available evidence is currently insufficient to determine the role of this variant in disease. Therefore, it has been classified as a Variant of Uncertain Significance. Algorithms developed to predict the effect of missense changes on protein structure and function (SIFT, PolyPhen-2, Align-GVGD) all suggest that this variant is likely to be tolerated. This variant has not been reported in the literature in individuals affected with CSPP1-related conditions. This variant is present in population databases (no rsID available, gnomAD 0.007%). This sequence change replaces lysine, which is basic and polar, with glutamic acid, which is acidic and polar, at codon 242 of the CSPP1 protein (p.Lys242Glu).